The following is an entry in ClinVar:

NM_021939.4(FKBP10):c.1399+51del

Gene: FKBP10 (FKBP prolyl isomerase 10; plus strand). Cytogenetic location: 17q21.2.
Variant type: Deletion.
Coding change: c.1399+51del on transcript NM_021939.4 (MANE Select); 51 bases into the intron after coding-DNA position 1399, one base deleted (T; older notation c.1399+51delT).
Molecular consequence: intron variant.
Genome position (GRCh38, 1-based): chr17:41,821,140, T deleted; the last of 29 consecutive T bases (chr17:41,821,112-41,821,140); deleting any one gives the same sequence. VCF-style (leftmost placement, unchanged base first): chr17-41821111-CT-C. GRCh37 (hg19) VCF-style: chr17-39977363-CT-C.
Identifiers: ClinVar variation 694418 (VCV000694418.5), dbSNP rs10522999, ClinGen allele CA626025546.

ClinVar aggregate classification (germline): Benign/Likely benign. Review status: criteria provided, multiple submitters, no conflicts (2 of 4 stars). 2 submissions from 2 submitters: Benign (1); Likely benign (1). Last evaluated 2019-12-10.

Conditions:
Osteogenesis imperfecta type 11. Also called: OI, TYPE XI; Osteogenesis imperfecta, type XI. Identifiers: Orphanet 666, MedGen C3151218, MONDO:0012592, OMIM 610968.

Submissions (2):

GeneDx
Classification: Benign. Last evaluated: 2019-12-10. Review status: criteria provided, single submitter. Criteria: GeneDx Variant Classification Process June 2021. Collection method: clinical testing. Allele origin: germline. Affected: yes.

Centre for Medical Genetics,  Mumbai
Classification: Likely benign for Osteogenesis imperfecta, type XI. Last evaluated: 2019-08-14. Review status: criteria provided, single submitter. Criteria: ACMG Guidelines, 2015. Collection method: clinical testing. Allele origin: germline. Inheritance: Autosomal recessive inheritance. Affected: no. Observed: 1 homozygote.